The following is an entry in ClinVar:

ClinVar aggregate classification (germline): Uncertain significance (1 of 4 stars; one submission).

gnomAD v4.1: 70 of 1,614,088 alleles (0.0043%); highest among the groups gnomAD compares: Non-Finnish European, 0.0059%; no homozygotes.

Submission:

Labcorp Genetics (formerly Invitae), Labcorp
Classification: Uncertain significance. Last evaluated: 2025-06-14. Review status: criteria provided, single submitter. Criteria: Invitae Variant Classification Sherloc (09022015). Collection method: clinical testing. Allele origin: germline.
Comment: This sequence change replaces proline, which is neutral and non-polar, with alanine, which is neutral and non-polar, at codon 2174 of the TRRAP protein (p.Pro2174Ala). This variant is present in population databases (rs749416926, gnomAD 0.003%). This variant has not been reported in the literature in individuals affected with TRRAP-related conditions. Invitae Evidence Modeling of protein sequence and biophysical properties (such as structural, functional, and spatial information, amino acid conservation, physicochemical variation, residue mobility, and thermodynamic stability) indicates that this missense variant is not expected to disrupt TRRAP protein function with a negative predictive value of 80%. In summary, the available evidence is currently insufficient to determine the role of this variant in disease. Therefore, it has been classified as a Variant of Uncertain Significance.

NM_001375524.1(TRRAP):c.6595C>G (p.Pro2199Ala)

Gene: TRRAP (transformation/transcription domain associated protein; plus strand). Cytogenetic location: 7q22.1.
Variant type: single nucleotide variant.
Coding change: c.6595C>G on transcript NM_001375524.1 (MANE Select); coding-DNA position 6595, C replaced by G.
Protein change: p.Pro2199Ala; replaces proline 2199 with alanine.
Molecular consequence: missense variant.
Genome position (GRCh38, 1-based): chr7:98,961,366, C>G. VCF-style: chr7-98961366-C-G. GRCh37 (hg19) VCF-style: chr7-98558989-C-G.
Other names: c.6574C>G, p.Pro2192Ala (NM_001244580.2); c.6520C>G, p.Pro2174Ala (NM_003496.4); short protein forms P2174A, P2192A, P2199A.
Identifiers: ClinVar variation 4740237 (VCV004740237.1).